The following is an entry in ClinVar:

NM_001242896.3(DEPDC5):c.3652G>A (p.Val1218Met)

Gene: DEPDC5 (DEP domain containing 5, GATOR1 subcomplex subunit; plus strand). Cytogenetic location: 22q12.3.
Variant type: single nucleotide variant.
Coding change: c.3652G>A on transcript NM_001242896.3 (MANE Select); coding-DNA position 3652, G replaced by A.
Protein change: p.Val1218Met; replaces valine 1218 with methionine.
Molecular consequence: missense variant. On other transcripts: non-coding transcript variant (4).
Genome position (GRCh38, 1-based): chr22:31,874,361, G>A. VCF-style: chr22-31874361-G-A. GRCh37 (hg19) VCF-style: chr22-32270347-G-A.
Other names: c.3625G>A, p.Val1209Met (NM_001136029.4); c.3352G>A, p.Val1118Met (NM_001242897.2); c.3586G>A, p.Val1196Met (NM_001363852.2, NM_001364320.2); c.3418G>A, p.Val1140Met (NM_001363854.2, NM_001364319.2); c.3652G>A, p.Val1218Met (NM_001364318.2); c.3568G>A, p.Val1190Met (NM_001369901.1, NM_001369902.1); c.3559G>A, p.Val1187Met (NM_001369903.1, NM_014662.6); short protein forms V1118M, V1187M, V1140M, V1209M, V1218M, V1190M, V1196M.
Identifiers: ClinVar variation 839062 (VCV000839062.7), dbSNP rs752695099, ClinGen allele CA10197053.
Genomic context (GRCh38, chr22:31,874,361, plus strand): 5'-AAGGGCCTCTCACCGTACTGCTTCATCAGCGCGGAGGTGGTACACTGGTTGGTGAACCAC[G>A]TGGAGGGGATCCAGACACAGGCGATGGCCATTGACATCATGCAGGTGAGACAGCAAGAGG-3'
Protein context (NP_001229825.1, residues 1208-1228): AEVVHWLVNH[Val1218Met]EGIQTQAMAI

ClinVar aggregate classification (germline): Uncertain significance (1 of 4 stars; one submission).

Conditions:
Familial focal epilepsy with variable foci (FPEVF). Identifiers: Orphanet 98820, MedGen C1858477, MONDO:0020310.

Allele frequency attached by ClinVar (database versions not stated): ExAC 0.00001; gnomAD 0.00001; gnomAD exomes 0.00001; TOPMed 0.00002.
gnomAD v4.1: 19 of 1,612,292 alleles (0.0012%); highest among the groups gnomAD compares: Middle Eastern, 0.016%; no homozygotes.

Submission:

Labcorp Genetics (formerly Invitae), Labcorp
Classification: Uncertain significance for Familial focal epilepsy with variable foci. Last evaluated: 2025-08-29. Review status: criteria provided, single submitter. Criteria: Invitae Variant Classification Sherloc (09022015). Collection method: clinical testing. Allele origin: germline.
Comment: This sequence change replaces valine, which is neutral and non-polar, with methionine, which is neutral and non-polar, at codon 1218 of the DEPDC5 protein (p.Val1218Met). The frequency data for this variant in the population databases is considered unreliable, as metrics indicate poor data quality at this position in the gnomAD database. This variant has not been reported in the literature in individuals affected with DEPDC5-related conditions. ClinVar contains an entry for this variant (Variation ID: 839062). Experimental studies and prediction algorithms are not available or were not evaluated, and the functional significance of this variant is currently unknown. In summary, the available evidence is currently insufficient to determine the role of this variant in disease. Therefore, it has been classified as a Variant of Uncertain Significance.